The following is an entry in ClinVar:

ClinVar aggregate classification (germline): Uncertain significance. Review status: criteria provided, multiple submitters, no conflicts (2 of 4 stars). 2 submissions from 2 submitters: Uncertain significance (2). Last evaluated 2025-12-16.

Conditions:
Brugada syndrome. Also called: Sudden Unexplained Death Syndrome; Sudden Unexplained Nocturnal Death Syndrome (SUNDS); Sudden unexplained nocturnal death syndrome; Sudden unexpected nocturnal death syndrome. Identifiers: Orphanet 130, MedGen C1142166, MONDO:0015263.
Cardiovascular phenotype. Identifiers: MedGen CN230736.

Allele frequency attached by ClinVar (database versions not stated): ExAC 0.00001; gnomAD 0.00001; gnomAD exomes 0.00001.
gnomAD v4.1: 19 of 1,614,070 alleles (0.0012%); highest among the groups gnomAD compares: Non-Finnish European, 0.0014%; no homozygotes.

Submissions (2):

Labcorp Genetics (formerly Invitae), Labcorp
Classification: Uncertain significance for Brugada syndrome. Last evaluated: 2025-12-16. Review status: criteria provided, single submitter. Criteria: Invitae Variant Classification Sherloc (09022015). Collection method: clinical testing. Allele origin: germline.
Comment: This sequence change replaces cysteine, which is neutral and slightly polar, with tryptophan, which is neutral and slightly polar, at codon 1288 of the SCN10A protein (p.Cys1288Trp). This variant is present in population databases (rs749044361, gnomAD 0.007%). This variant has not been reported in the literature in individuals affected with SCN10A-related conditions. ClinVar contains an entry for this variant (Variation ID: 1735631). Invitae Evidence Modeling of protein sequence and biophysical properties (such as structural, functional, and spatial information, amino acid conservation, physicochemical variation, residue mobility, and thermodynamic stability) indicates that this missense variant is expected to disrupt SCN10A protein function with a positive predictive value of 80%. In summary, the available evidence is currently insufficient to determine the role of this variant in disease. Therefore, it has been classified as a Variant of Uncertain Significance.

Ambry Genetics
Classification: Uncertain significance for Cardiovascular phenotype. Last evaluated: 2019-11-01. Review status: criteria provided, single submitter. Criteria: Ambry Variant Classification Scheme 2023. Collection method: clinical testing. Allele origin: germline.
Comment: The p.C1288W variant (also known as c.3864C>G), located in coding exon 22 of the SCN10A gene, results from a C to G substitution at nucleotide position 3864. The cysteine at codon 1288 is replaced by tryptophan, an amino acid with highly dissimilar properties. This amino acid position is highly conserved in available vertebrate species. In addition, this alteration is predicted to be deleterious by in silico analysis. Since supporting evidence is limited at this time, the clinical significance of this alteration remains unclear.

NM_006514.4(SCN10A):c.3864C>G (p.Cys1288Trp)

Gene: SCN10A (sodium voltage-gated channel alpha subunit 10; minus strand). Cytogenetic location: 3p22.2.
Variant type: single nucleotide variant.
Coding change: c.3864C>G on transcript NM_006514.4 (MANE Select); coding-DNA position 3864, C replaced by G.
Protein change: p.Cys1288Trp; replaces cysteine 1288 with tryptophan.
Molecular consequence: missense variant.
Genome position (GRCh38, 1-based): chr3:38,712,386, G>C on the plus strand (C>G on the coding strand, the complement: SCN10A is on the minus strand). VCF-style: chr3-38712386-G-C. GRCh37 (hg19) VCF-style: chr3-38753877-G-C.
Other names: c.3861C>G, p.Cys1287Trp (NM_001293306.2); c.3570C>G, p.Cys1190Trp (NM_001293307.2); short protein forms C1287W, C1288W, C1190W.
Identifiers: ClinVar variation 1735631 (VCV001735631.3), dbSNP rs749044361, ClinGen allele CA2320076.